The following is an entry in ClinVar:

ClinVar aggregate classification (germline): Uncertain significance (1 of 4 stars; one submission).

Conditions:
Cardiovascular phenotype. Identifiers: MedGen CN230736.

Submission:

Ambry Genetics
Classification: Uncertain significance for Cardiovascular phenotype. Last evaluated: 2022-02-17. Review status: criteria provided, single submitter. Criteria: Ambry Variant Classification Scheme 2023. Collection method: clinical testing. Allele origin: germline.
Comment: The p.E1891K variant (also known as c.5671G>A), located in coding exon 15 of the TNXB gene, results from a G to A substitution at nucleotide position 5671. The glutamic acid at codon 1891 is replaced by lysine, an amino acid with similar properties. This amino acid position is conserved. In addition, this alteration is predicted to be tolerated by in silico analysis. Since supporting evidence is limited at this time, the clinical significance of this alteration remains unclear.

NM_001365276.2(TNXB):c.5671G>A (p.Glu1891Lys)

Gene: TNXB (tenascin XB; minus strand). Cytogenetic location: 6p21.33.
Variant type: single nucleotide variant.
Coding change: c.5671G>A on transcript NM_001365276.2 (MANE Select); coding-DNA position 5671, G replaced by A.
Protein change: p.Glu1891Lys; replaces glutamic acid 1891 with lysine.
Molecular consequence: missense variant.
Genome position (GRCh38, 1-based): chr6:32,069,053, C>T on the plus strand (G>A on the coding strand, the complement: TNXB is on the minus strand). VCF-style: chr6-32069053-C-T. GRCh37 (hg19) VCF-style: chr6-32036830-C-T.
Other names: c.5671G>A, p.Glu1891Lys (NM_019105.8); short protein forms E1891K.
Identifiers: ClinVar variation 1748978 (VCV001748978.2), dbSNP rs2483577898, ClinGen allele CA363408521.